The following is an entry in ClinVar:

NM_000059.4(BRCA2):c.6211del (p.Ser2071fs)

Gene: BRCA2 (BRCA2 DNA repair associated; plus strand). Cytogenetic location: 13q13.1.
Variant type: Deletion.
Coding change: c.6211del on transcript NM_000059.4 (MANE Select); coding-DNA position 6211, one base deleted (A; older notation c.6211delA).
Protein change: p.Ser2071fs; shifts the reading frame from serine 2071.
Molecular consequence: frameshift variant.
Genome position (GRCh38, 1-based): chr13:32,340,566, A deleted; the last of 3 consecutive A bases (chr13:32,340,564-32,340,566); deleting any one gives the same sequence. VCF-style (leftmost placement, unchanged base first): chr13-32340563-GA-G. GRCh37 (hg19) VCF-style: chr13-32914700-GA-G.
Other names: 6439delA; c.6211delA (NM_000059.3); short protein forms S2071fs.
Identifiers: ClinVar variation 96834 (VCV000096834.12), dbSNP rs431825338, ClinGen allele CA023754.

ClinVar aggregate classification (germline): Pathogenic. Review status: reviewed by expert panel (3 of 4 stars). 5 submissions from 5 submitters: Pathogenic (1). 4 of the submissions do not count toward it. Last evaluated 2016-09-08.

Conditions:
Hereditary cancer-predisposing syndrome. Also called: Hereditary Cancer Syndrome; Neoplastic Syndromes, Hereditary; Hereditary neoplastic syndrome; Tumor predisposition. Identifiers: Orphanet 140162, MedGen C0027672, MeSH D009386, MONDO:0015356.
Hereditary breast ovarian cancer syndrome. Also called: Breast and ovarian cancer; Hereditary breast and/or ovarian cancer syndrome; Hereditary breast and ovarian cancer; Hereditary breast and ovarian cancer syndrome; Hereditary breast and ovarian cancer syndrome (HBOC); BRCA1- and BRCA2-Associated Hereditary Breast and Ovarian Cancer. Identifiers: Orphanet 145, MedGen C0677776, MeSH D061325, MONDO:0003582. Disease mechanism: loss of function.
Breast-ovarian cancer, familial, susceptibility to, 2 (BROVCA2). Also called: BRCA2 Hereditary Breast and Ovarian Cancer. Identifiers: Orphanet 145, MedGen C2675520, MONDO:0012933, OMIM 612555. Disease mechanism: loss of function.

Submissions (5):

Evidence-based Network for the Interpretation of Germline Mutant Alleles (ENIGMA)
Classification: Pathogenic for Breast-ovarian cancer, familial, susceptibility to, 2. Last evaluated: 2016-09-08. Review status: reviewed by expert panel. Criteria: ENIGMA BRCA1/2 Classification Criteria (2015). Collection method: curation. Allele origin: germline.
Comment: Variant allele predicted to encode a truncated non-functional protein.

Labcorp Genetics (formerly Invitae), Labcorp
Classification: Pathogenic for Hereditary breast ovarian cancer syndrome. Last evaluated: 2023-01-24. Review status: criteria provided, single submitter. Criteria: Invitae Variant Classification Sherloc (09022015). Collection method: clinical testing. Allele origin: germline. Not counted in ClinVar's aggregate classification.
Comment: For these reasons, this variant has been classified as Pathogenic. ClinVar contains an entry for this variant (Variation ID: 96834). This premature translational stop signal has been observed in individual(s) with breast cancer (PMID: 27616075, 35731312). This variant is not present in population databases (gnomAD no frequency). This sequence change creates a premature translational stop signal (p.Ser2071Valfs*10) in the BRCA2 gene. It is expected to result in an absent or disrupted protein product. Loss-of-function variants in BRCA2 are known to be pathogenic (PMID: 20104584).

GeneKor MSA
Classification: Pathogenic. Last evaluated: 2020-01-01. Review status: criteria provided, single submitter. Criteria: ACMG Guidelines, 2015. Collection method: clinical testing. Allele origin: germline. Not counted in ClinVar's aggregate classification.
Comment: This is a deletion of 1 base pair, which results in frameshift and creation of a stop codon 10 amino acid residues later. It is expected to result in a truncated, non-functional protein.

Ambry Genetics
Classification: Pathogenic for Hereditary cancer-predisposing syndrome. Last evaluated: 2019-03-07. Review status: criteria provided, single submitter. Criteria: Ambry Variant Classification Scheme 2023. Collection method: clinical testing. Allele origin: germline. Not counted in ClinVar's aggregate classification.
Comment: The c.6211delA pathogenic mutation, located in coding exon 10 of the BRCA2 gene, results from a deletion of one nucleotide at nucleotide position 6211, causing a translational frameshift with a predicted alternate stop codon (p.S2071Vfs*10). This alteration is expected to result in loss of function by premature protein truncation or nonsense-mediated mRNA decay. As such, this alteration is interpreted as a disease-causing mutation.

Sharing Clinical Reports Project (SCRP)
Classification: Pathogenic for Breast-ovarian cancer, familial 2. Last evaluated: 2007-11-29. Review status: no assertion criteria provided. Collection method: clinical testing. Allele origin: germline. Not counted in ClinVar's aggregate classification.

Literature cited by the submitters: PubMed 27616075 (cited by Labcorp Genetics (formerly Invitae), Labcorp and Ambry Genetics); PubMed 35731312 (cited by Labcorp Genetics (formerly Invitae), Labcorp); PubMed 20104584 (cited by Labcorp Genetics (formerly Invitae), Labcorp).